The following is an entry in ClinVar:

ClinVar aggregate classification (germline): Uncertain significance. Review status: criteria provided, multiple submitters, no conflicts (2 of 4 stars). 2 submissions from 2 submitters: Uncertain significance (2). Last evaluated 2022-10-24.

Submissions (2):

Labcorp Genetics (formerly Invitae), Labcorp
Classification: Uncertain significance. Last evaluated: 2022-10-24. Review status: criteria provided, single submitter. Criteria: Invitae Variant Classification Sherloc (09022015). Collection method: clinical testing. Allele origin: germline.
Comment: Algorithms developed to predict the effect of missense changes on protein structure and function are either unavailable or do not agree on the potential impact of this missense change (SIFT: "Deleterious"; PolyPhen-2: "Not Available"; Align-GVGD: "Class C0"). In summary, the available evidence is currently insufficient to determine the role of this variant in disease. Therefore, it has been classified as a Variant of Uncertain Significance. ClinVar contains an entry for this variant (Variation ID: 1463327). This variant has not been reported in the literature in individuals affected with COL9A3-related conditions. This variant is not present in population databases (gnomAD no frequency). This sequence change replaces aspartic acid, which is acidic and polar, with asparagine, which is neutral and polar, at codon 49 of the COL9A3 protein (p.Asp49Asn).

Blueprint Genetics
Classification: Uncertain significance. Last evaluated: 2020-02-14. Review status: criteria provided, single submitter. Criteria: ACMG Guidelines, 2015. Collection method: clinical testing. Allele origin: germline.

NM_001853.4(COL9A3):c.145G>A (p.Asp49Asn)

Gene: COL9A3 (collagen type IX alpha 3 chain; plus strand). Cytogenetic location: 20q13.33.
Variant type: single nucleotide variant.
Coding change: c.145G>A on transcript NM_001853.4 (MANE Select); coding-DNA position 145, G replaced by A.
Protein change: p.Asp49Asn; replaces aspartic acid 49 with asparagine.
Molecular consequence: missense variant.
Genome position (GRCh38, 1-based): chr20:62,817,633, G>A. VCF-style: chr20-62817633-G-A. GRCh37 (hg19) VCF-style: chr20-61448985-G-A.
Other names: short protein forms D49N.
Identifiers: ClinVar variation 1463327 (VCV001463327.7), dbSNP rs1990977384, ClinGen allele CA409587239.